The following is an entry in ClinVar:

NM_015450.3(POT1):c.9+5G>C

Gene: POT1 (protection of telomeres 1; minus strand). Cytogenetic location: 7q31.33.
Variant type: single nucleotide variant.
Coding change: c.9+5G>C on transcript NM_015450.3 (MANE Select); 5 bases into the intron after coding-DNA position 9, G replaced by C.
Molecular consequence: intron variant.
Genome position (GRCh38, 1-based): chr7:124,897,160, C>G on the plus strand (G>C on the coding strand, the complement: POT1 is on the minus strand). VCF-style: chr7-124897160-C-G. GRCh37 (hg19) VCF-style: chr7-124537214-C-G.
Other names: c.-254+5G>C (NM_001042594.2).
Identifiers: ClinVar variation 3226693 (VCV003226693.1), dbSNP rs2485575103, ClinGen allele CA2825001519.

ClinVar aggregate classification (germline): Uncertain significance (1 of 4 stars; one submission).

Conditions:
Hereditary cancer-predisposing syndrome. Also called: Neoplastic Syndromes, Hereditary; Tumor predisposition; Hereditary neoplastic syndrome; Hereditary Cancer Syndrome. Identifiers: Orphanet 140162, MedGen C0027672, MeSH D009386, MONDO:0015356.

Submission:

Ambry Genetics
Classification: Uncertain significance for Hereditary cancer-predisposing syndrome. Last evaluated: 2024-01-06. Review status: criteria provided, single submitter. Criteria: Ambry Variant Classification Scheme 2023. Collection method: clinical testing. Allele origin: germline.
Comment: The c.9+5G>C intronic variant results from a G to C substitution 5 nucleotides after coding exon 1 in the POT1 gene. This nucleotide position is highly conserved in available vertebrate species. In silico splice site analysis predicts that this alteration will weaken the native splice donor site. Since supporting evidence is limited at this time, the clinical significance of this alteration remains unclear.